The following is an entry in ClinVar:

NM_000245.4(MET):c.1174C>A (p.Pro392Thr)

Gene: MET (MET proto-oncogene, receptor tyrosine kinase; plus strand). Cytogenetic location: 7q31.2.
Variant type: single nucleotide variant.
Coding change: c.1174C>A on transcript NM_000245.4 (MANE Select); coding-DNA position 1174, C replaced by A.
Protein change: p.Pro392Thr; replaces proline 392 with threonine.
Molecular consequence: missense variant. On other transcripts: intron variant (1).
Genome position (GRCh38, 1-based): chr7:116,700,258, C>A. VCF-style: chr7-116700258-C-A. GRCh37 (hg19) VCF-style: chr7-116340312-C-A.
Other names: c.1174C>A, p.Pro392Thr (NM_001127500.3, NM_001324401.3); c.-91+27681C>A (NM_001324402.2); short protein forms P392T.
Identifiers: ClinVar variation 358684 (VCV000358684.24), dbSNP rs886061943, ClinGen allele CA10628009.

ClinVar aggregate classification (germline): Conflicting classifications of pathogenicity. Review status: criteria provided, conflicting classifications (1 of 4 stars). 6 submissions from 6 submitters: Uncertain significance (5); Likely benign (1). Last evaluated 2025-10-14.

Conditions:
Papillary renal cell carcinoma type 1 (RCCP1). Also called: RENAL CELL CARCINOMA, PAPILLARY, 1, SOMATIC; Renal adenocarcinoma; Renal cell carcinoma 1; Renal cell carcinoma, somatic. Identifiers: Orphanet 47044, MedGen C1336839, OMIM 605074, HP:0011797.
Autosomal recessive nonsyndromic hearing loss 97. Also called: Deafness, autosomal recessive 97. Identifiers: Orphanet 90636, MedGen C4084709, MONDO:0014739, OMIM 616705.
Renal cell carcinoma. Identifiers: Orphanet 217071, MedGen C0007134, MeSH D002292, MONDO:0005086, HP:0005584.
Osteofibrous dysplasia (OSFD). Also called: Tibia, bowing of, with pseudarthrosis and pectus excavatum. Identifiers: Orphanet 488265, MedGen C4085248, MONDO:0011806, OMIM 607278.
Hepatocellular carcinoma (HCC). Also called: Primary carcinoma of liver; HEPATOMA; LIVER CELL CARCINOMA. Identifiers: Orphanet 88673, MedGen C2239176, MONDO:0007256, OMIM 114550, HP:0001402.
Hereditary cancer-predisposing syndrome. Also called: Neoplastic Syndromes, Hereditary; Tumor predisposition; Hereditary neoplastic syndrome; Hereditary Cancer Syndrome. Identifiers: Orphanet 140162, MedGen C0027672, MeSH D009386, MONDO:0015356.

Allele frequency attached by ClinVar (database versions not stated): gnomAD exomes below 0.00001; TOPMed below 0.00001.
gnomAD v4.1: 3 of 1,603,418 alleles (0.00019%); highest among the groups gnomAD compares: Non-Finnish European, 0.00017%; no homozygotes.

Submissions (6):

Labcorp Genetics (formerly Invitae), Labcorp
Classification: Uncertain significance for Renal cell carcinoma. Last evaluated: 2025-10-14. Review status: criteria provided, single submitter. Criteria: Invitae Variant Classification Sherloc (09022015). Collection method: clinical testing. Allele origin: germline.
Comment: This sequence change replaces proline, which is neutral and non-polar, with threonine, which is neutral and polar, at codon 392 of the MET protein (p.Pro392Thr). This variant is not present in population databases (gnomAD no frequency). This variant has not been reported in the literature in individuals affected with MET-related conditions. ClinVar contains an entry for this variant (Variation ID: 358684). Invitae Evidence Modeling of protein sequence and biophysical properties (such as structural, functional, and spatial information, amino acid conservation, physicochemical variation, residue mobility, and thermodynamic stability) indicates that this missense variant is not expected to disrupt MET protein function with a negative predictive value of 80%. In summary, the available evidence is currently insufficient to determine the role of this variant in disease. Therefore, it has been classified as a Variant of Uncertain Significance.

Center for Genomic Medicine, Rigshospitalet, Copenhagen University Hospital
Classification: Uncertain significance. Last evaluated: 2025-03-04. Review status: criteria provided, single submitter. Criteria: ACMG Guidelines, 2015. Collection method: clinical testing. Allele origin: germline.

Ambry Genetics
Classification: Likely benign for Hereditary cancer-predisposing syndrome. Last evaluated: 2024-11-08. Review status: criteria provided, single submitter. Criteria: Ambry Variant Classification Scheme 2023. Collection method: clinical testing. Allele origin: germline.

Baylor Genetics
Classification: Uncertain significance for Autosomal recessive nonsyndromic hearing loss 97. Last evaluated: 2024-03-21. Review status: criteria provided, single submitter. Criteria: ACMG Guidelines, 2015. Collection method: clinical testing. Allele origin: unknown.

Fulgent Genetics
Classification: Uncertain significance for Hepatocellular carcinoma; Papillary renal cell carcinoma type 1; Osteofibrous dysplasia; Autosomal recessive nonsyndromic hearing loss 97. Last evaluated: 2018-10-31. Review status: criteria provided, single submitter. Criteria: ACMG Guidelines, 2015. Collection method: clinical testing. Allele origin: unknown.

Illumina Laboratory Services, Illumina
Classification: Uncertain significance for Papillary renal cell carcinoma type 1. Last evaluated: 2018-01-13. Review status: criteria provided, single submitter. Criteria: ICSL Variant Classification Criteria 13 December 2019. Collection method: clinical testing. Allele origin: germline.